The following is an entry in ClinVar:

ClinVar aggregate classification (germline): Pathogenic (1 of 4 stars; one submission).

Conditions:
Alport syndrome. Also called: Hemorrhagic familial nephritis; Hemorrhagic hereditary nephritis; Congenital hereditary hematuria. Identifiers: Orphanet 63, MedGen C1567741, MONDO:0018965.

Submission:

Myriad Genetics, Inc.
Classification: Pathogenic for Alport syndrome. Last evaluated: 2023-09-08. Review status: criteria provided, single submitter. Criteria: Myriad Autosomal Dominant, Autosomal Recessive and X-Linked Classification Criteria (2023). Collection method: clinical testing. Allele origin: unknown.
Comment: NM_000092.4(COL4A4):c.2844_2846delACTinsGCTA(R950Efs*13) is expected to be pathogenic in the context of Alport syndrome, COL4A4-related. This variant is predicted to lead to an abnormal or absent protein product due to the creation of a premature termination codon in COL4A4, a gene where loss-of-function variants are known to be pathogenic. Please note: this variant was assessed in the context of healthy population screening.

NM_000092.5(COL4A4):c.2844_2846delinsGCTA (p.Arg950fs)

Gene: COL4A4 (collagen type IV alpha 4 chain; minus strand). Cytogenetic location: 2q36.3.
Variant type: Indel.
Coding change: c.2844_2846delinsGCTA on transcript NM_000092.5 (MANE Select); coding-DNA positions 2844 to 2846, ACT replaced by GCTA.
Protein change: p.Arg950fs; shifts the reading frame from arginine 950.
Molecular consequence: frameshift variant.
Genome position (GRCh38, 1-based): chr2:227,054,608-227,054,610, AGT replaced by TAGC on the plus strand (ACT replaced by GCTA on the coding strand, the reverse complement: COL4A4 is on the minus strand). VCF-style: chr2-227054608-AGT-TAGC. GRCh37 (hg19) VCF-style: chr2-227919324-AGT-TAGC.
Other names: short protein forms R950fs.
Identifiers: ClinVar variation 5011603 (VCV005011603.1).